The following is an entry in ClinVar:

NM_001148.6(ANK2):c.9863C>T (p.Pro3288Leu)

Gene: ANK2 (ankyrin 2; plus strand). Cytogenetic location: 4q26.
Variant type: single nucleotide variant.
Coding change: c.9863C>T on transcript NM_001148.6 (MANE Select); coding-DNA position 9863, C replaced by T.
Protein change: p.Pro3288Leu; replaces proline 3288 with leucine.
Molecular consequence: missense variant. On other transcripts: intron variant (68).
Genome position (GRCh38, 1-based): chr4:113,358,481, C>T. VCF-style: chr4-113358481-C-T. GRCh37 (hg19) VCF-style: chr4-114279637-C-T.
Other names: c.9629C>T, p.Pro3210Leu (NM_001386142.1); c.6263C>T, p.Pro2088Leu (NM_001386166.1); c.10004C>T, p.Pro3335Leu (NM_001386174.1); c.9980C>T, p.Pro3327Leu (NM_001386175.1); c.4412-2342C>T (NM_001386186.2, NM_001386148.2); c.4214-2342C>T (NM_001354269.3); c.4292-2342C>T (NM_001386187.2); c.4253-2342C>T (NM_001386147.1); and 35 more; short protein forms P2088L, P3210L, P3288L, P3327L, P3335L.
Identifiers: ClinVar variation 4277257 (VCV004277257.1).

ClinVar aggregate classification (germline): Uncertain significance (1 of 4 stars; one submission).

Conditions:
Cardiac arrhythmia, ankyrin-B-related. Also called: ANKYRIN-B SYNDROME. Identifiers: Orphanet 101016, Orphanet 768, MedGen C1970119, MONDO:0010958, OMIM 600919.

gnomAD v4.1: 3 of 1,613,962 alleles (0.00019%); highest among the groups gnomAD compares: Non-Finnish European, 0.00025%; no homozygotes.

Submission:

MVZ Medizinische Genetik Mainz
Classification: Uncertain significance for Cardiac arrhythmia, ankyrin-B-related. Last evaluated: 2025-09-12. Review status: criteria provided, single submitter. Criteria: UK Practice Guidelines For Variant Classification V4 01 2020. Collection method: clinical testing. Allele origin: germline. Inheritance: Autosomal dominant inheritance. Affected: yes. Observed: 1 variant allele.
Comment: ACMG Criteria: PM2_SUP,PP3